The following is an entry in ClinVar:

NM_005120.3(MED12):c.6186G>C (p.Gln2062His)

Gene: MED12 (mediator complex subunit 12; plus strand). Cytogenetic location: Xq13.1.
Variant type: single nucleotide variant.
Coding change: c.6186G>C on transcript NM_005120.3 (MANE Select); coding-DNA position 6186, G replaced by C.
Protein change: p.Gln2062His; replaces glutamine 2062 with histidine.
Molecular consequence: missense variant.
Genome position (GRCh38, 1-based): chrX:71,140,776, G>C. VCF-style: chrX-71140776-G-C. GRCh37 (hg19) VCF-style: chrX-70360626-G-C.
Other names: short protein forms Q2062H.
Identifiers: ClinVar variation 1411668 (VCV001411668.7), dbSNP rs1362044936, ClinGen allele CA413540253.

ClinVar aggregate classification (germline): Uncertain significance. Review status: criteria provided, multiple submitters, no conflicts (2 of 4 stars). 2 submissions from 2 submitters: Uncertain significance (2). Last evaluated 2024-02-03.

Conditions:
FG syndrome (FGS). Identifiers: MedGen C0220769, MONDO:0002010.
Familial thoracic aortic aneurysm and aortic dissection (TAAD). Also called: Thoracic aortic aneurysms and dissections. Identifiers: Orphanet 91387, MedGen C4707243, MONDO:0019625.

Allele frequency attached by ClinVar (database versions not stated): gnomAD 0.00001; TOPMed 0.00001.
gnomAD v4.1: 12 of 1,195,356 alleles (0.001%); highest among the groups gnomAD compares: African/African-American, 0.0018%; no homozygotes.

Submissions (2):

Labcorp Genetics (formerly Invitae), Labcorp
Classification: Uncertain significance for FG syndrome. Last evaluated: 2024-02-03. Review status: criteria provided, single submitter. Criteria: Invitae Variant Classification Sherloc (09022015). Collection method: clinical testing. Allele origin: germline.
Comment: This sequence change replaces glutamine, which is neutral and polar, with histidine, which is basic and polar, at codon 2062 of the MED12 protein (p.Gln2062His). The frequency data for this variant in the population databases is considered unreliable, as metrics indicate poor data quality at this position in the gnomAD database. This variant has not been reported in the literature in individuals affected with MED12-related conditions. ClinVar contains an entry for this variant (Variation ID: 1411668). Advanced modeling of protein sequence and biophysical properties (such as structural, functional, and spatial information, amino acid conservation, physicochemical variation, residue mobility, and thermodynamic stability) performed at Invitae indicates that this missense variant is not expected to disrupt MED12 protein function with a negative predictive value of 95%. In summary, the available evidence is currently insufficient to determine the role of this variant in disease. Therefore, it has been classified as a Variant of Uncertain Significance.

Ambry Genetics
Classification: Uncertain significance for Familial thoracic aortic aneurysm and aortic dissection. Last evaluated: 2022-05-24. Review status: criteria provided, single submitter. Criteria: Ambry Variant Classification Scheme 2023. Collection method: clinical testing. Allele origin: germline.
Comment: The p.Q2062H variant (also known as c.6186G>C), located in coding exon 42 of the MED12 gene, results from a G to C substitution at nucleotide position 6186. The glutamine at codon 2062 is replaced by histidine, an amino acid with highly similar properties. This amino acid position is conserved. In addition, this alteration is predicted to be tolerated by in silico analysis. Since supporting evidence is limited at this time, the clinical significance of this alteration remains unclear.